The following is an entry in ClinVar:

ClinVar aggregate classification (germline): Likely pathogenic (1 of 4 stars; one submission).

Conditions:
Sjögren-Larsson syndrome (SLS). Also called: FATTY ALCOHOL:NAD+ OXIDOREDUCTASE DEFICIENCY; FATTY ALDEHYDE DEHYDROGENASE DEFICIENCY; ICHTHYOSIS, SPASTIC NEUROLOGIC DISORDER, AND OLIGOPHRENIA; FALDH DEFICIENCY. Identifiers: Orphanet 816, MedGen C0037231, MONDO:0010031, OMIM 270200.

Submission:

Myriad Genetics, Inc.
Classification: Likely pathogenic for Sjögren-Larsson syndrome. Last evaluated: 2019-10-21. Review status: criteria provided, single submitter. Criteria: Myriad Women's Health Autosomal Recessive and X-Linked Classification Criteria (2019). Collection method: clinical testing. Allele origin: unknown.
Comment: NM_000382.2(ALDH3A2):c.760C>T(Q254*) is expected to be pathogenic in the context of Sjogren-Larsson syndrome. This variant is predicted to lead to an abnormal or absent protein product due to the creation of a premature termination codon in ALDH3A2, a gene where loss-of-function variants are known to be pathogenic. Please note: this variant was assessed in the context of healthy population screening.

NM_000382.3(ALDH3A2):c.760C>T (p.Gln254Ter)

Gene: ALDH3A2 (aldehyde dehydrogenase 3 family member A2; plus strand). Cytogenetic location: 17p11.2.
Variant type: single nucleotide variant.
Coding change: c.760C>T on transcript NM_000382.3 (MANE Select); coding-DNA position 760, C replaced by T.
Protein change: p.Gln254Ter; replaces glutamine 254 with a stop codon.
Molecular consequence: nonsense.
Genome position (GRCh38, 1-based): chr17:19,657,824, C>T. VCF-style: chr17-19657824-C-T. GRCh37 (hg19) VCF-style: chr17-19561137-C-T.
Other names: c.760C>T, p.Gln254Ter (NM_001031806.2, NM_001369136.1, NM_001369137.2 and 3 more transcripts); c.181C>T, p.Gln61Ter (NM_001369148.2); short protein forms Q254*, Q61*.
Identifiers: ClinVar variation 983811 (VCV000983811.3), dbSNP rs2544376116, ClinGen allele CA398706961.